The following is an entry in ClinVar:

NM_030773.4(TUBB1):c.592G>A (p.Ala198Thr)

Gene: TUBB1 (tubulin beta 1 class VI; plus strand). Cytogenetic location: 20q13.32.
Variant type: single nucleotide variant.
Coding change: c.592G>A on transcript NM_030773.4 (MANE Select); coding-DNA position 592, G replaced by A.
Protein change: p.Ala198Thr; replaces alanine 198 with threonine.
Molecular consequence: missense variant.
Genome position (GRCh38, 1-based): chr20:59,024,019, G>A. VCF-style: chr20-59024019-G-A. GRCh37 (hg19) VCF-style: chr20-57599074-G-A.
Other names: short protein forms A198T.
Identifiers: ClinVar variation 2758788 (VCV002758788.4), dbSNP rs147034202, ClinGen allele CA9928542.
Genomic context (GRCh38, chr20:59,024,019, plus strand): 5'-ACTGTGGTGGAGCCCTACAACGCGGTTCTGTCTATCCACCAGCTGATTGAGAATGCAGAT[G>A]CCTGTTTCTGCATTGACAATGAGGCCCTCTATGACATCTGCTTCCGTACCCTGAAGCTGA-3'
Protein context (NP_110400.1, residues 188-208): SIHQLIENAD[Ala198Thr]CFCIDNEALY

ClinVar aggregate classification (germline): Uncertain significance. Review status: criteria provided, single submitter (1 of 4 stars). 2 submissions from 2 submitters: Uncertain significance (1). 1 of the submissions does not count toward it. Last evaluated 2025-08-01.

Conditions:
TUBB1-related disorder. Also called: TUBB1-related condition.

Allele frequency attached by ClinVar (database versions not stated): TOPMed 0.00026; gnomAD exomes 0.00002; ExAC 0.00005; gnomAD 0.00022; ESP Exome Variant Server 0.00023.
gnomAD v4.1: 69 of 1,614,212 alleles (0.0043%); highest among the groups gnomAD compares: African/African-American, 0.072%; no homozygotes.

Submissions (2):

Labcorp Genetics (formerly Invitae), Labcorp
Classification: Uncertain significance. Last evaluated: 2025-08-01. Review status: criteria provided, single submitter. Criteria: Invitae Variant Classification Sherloc (09022015). Collection method: clinical testing. Allele origin: germline.
Comment: This sequence change replaces alanine, which is neutral and non-polar, with threonine, which is neutral and polar, at codon 198 of the TUBB1 protein (p.Ala198Thr). This variant is present in population databases (rs147034202, gnomAD 0.05%), and has an allele count higher than expected for a pathogenic variant. This variant has not been reported in the literature in individuals affected with TUBB1-related conditions. ClinVar contains an entry for this variant (Variation ID: 2758788). Invitae Evidence Modeling of protein sequence and biophysical properties (such as structural, functional, and spatial information, amino acid conservation, physicochemical variation, residue mobility, and thermodynamic stability) indicates that this missense variant is not expected to disrupt TUBB1 protein function with a negative predictive value of 80%. In summary, the available evidence is currently insufficient to determine the role of this variant in disease. Therefore, it has been classified as a Variant of Uncertain Significance.

PreventionGenetics, part of Exact Sciences
Classification: Likely benign for TUBB1-related condition. Last evaluated: 2024-03-18. Review status: no assertion criteria provided. Collection method: clinical testing. Allele origin: germline. Not counted in ClinVar's aggregate classification.
Comment: This variant is classified as likely benign based on ACMG/AMP sequence variant interpretation guidelines (Richards et al. 2015 PMID: 25741868, with internal and published modifications).